The following is an entry in ClinVar:

ClinVar aggregate classification (germline): Likely pathogenic. Review status: criteria provided, single submitter (1 of 4 stars). 2 submissions from 2 submitters: Likely pathogenic (1). 1 of the submissions does not count toward it. Last evaluated 2024-09-13.

Conditions:
CDKL5 disorder. Identifiers: MedGen CN296942, MONDO:0100039.
Atypical Rett syndrome. Also called: Rett like syndrome; Variant Rett Syndrome. Identifiers: Orphanet 3095, MedGen C2748910, MONDO:0017746.

Submissions (2):

Centre for Population Genomics, CPG
Classification: Likely pathogenic for CDKL5 disorder. Last evaluated: 2024-09-13. Review status: criteria provided, single submitter. Criteria: McKnight et al. (Hum Mutat. 2022). Collection method: curation. Allele origin: germline. Inheritance: X-linked inheritance.
Comment: This variant has been collected from RettBASE and curated to current modified ACMG/AMP criteria. Based on the classification scheme defined by the ClinGen Rett/Angelman-like Expert Panel for Rett/AS-like Disorders Specifications to the ACMG/AMP Variant Interpretation Guidelines VCEP 3.0, this variant is classified as likely pathogenic. At least the following criteria are met: Predicted to result in loss of function, and LOF is a known mechanism of disease (PVS1). This variant is absent from gnomAD (PM2_Supporting).

RettBASE
Classification: Pathogenic for Atypical Rett syndrome. Last evaluated: 2014-05-15. Review status: no assertion criteria provided. Collection method: curation. Allele origin: de novo. Affected: yes. Observed: 1 variant allele. Not counted in ClinVar's aggregate classification.

NM_001323289.2(CDKL5):c.1417dup (p.Ile473fs)

Gene: CDKL5 (cyclin dependent kinase like 5; plus strand). Cytogenetic location: Xp22.13.
Variant type: Duplication.
Coding change: c.1417dup on transcript NM_001323289.2 (MANE Select); coding-DNA position 1417, one base duplicated (A; older notation c.1417dupA).
Protein change: p.Ile473fs; shifts the reading frame from isoleucine 473.
Molecular consequence: frameshift variant.
Genome position (GRCh38, 1-based): chrX:18,604,341, A duplicated; the last of 2 consecutive A bases (chrX:18,604,340-18,604,341); duplicating either gives the same sequence. VCF-style (leftmost placement, unchanged base first): chrX-18604339-C-CA. GRCh37 (hg19) VCF-style: chrX-18622459-C-CA.
Other names: NM_001323289.2(CDKL5):c.1417dup; p.Ile473fs; c.1417dupA (NM_003159.2); c.1417dup, p.Ile473fs (NM_001037343.2, NM_003159.3); short protein forms I473fs.
Identifiers: ClinVar variation 189557 (VCV000189557.3), dbSNP rs786204970, ClinGen allele CA199379.
Genomic context (GRCh38, chrX:18,604,339, plus strand): 5'-AAAGCAAAGCTGGGACACTGCAGCCCAATGAAAAGCAGAGTCGGCATAGCTATATTGACA[C>CA]AATTCCCCAGTCCTCTAGGAGTCCCTCCTACAGGACCAAGGCCAAAAGCCATGGGGCACT-3'